The following is an entry in ClinVar:

ClinVar aggregate classification (germline): Uncertain significance (1 of 4 stars; one submission).

Conditions:
Gamma-aminobutyric acid transaminase deficiency (GABATD). Also called: GABA transaminase deficiency; Gamma aminobutyrate transaminase deficiency; 4 alpha aminobutyrate transaminase deficiency; GABA aminotransaminase deficiency. Identifiers: Orphanet 2066, MedGen C0342708, MONDO:0013166, OMIM 613163.

Allele frequency attached by ClinVar (database versions not stated): TOPMed 0.00001.

Submission:

Labcorp Genetics (formerly Invitae), Labcorp
Classification: Uncertain significance for Gamma-aminobutyric acid transaminase deficiency. Last evaluated: 2021-12-15. Review status: criteria provided, single submitter. Criteria: Invitae Variant Classification Sherloc (09022015). Collection method: clinical testing. Allele origin: germline.
Comment: In summary, the available evidence is currently insufficient to determine the role of this variant in disease. Therefore, it has been classified as a Variant of Uncertain Significance. Algorithms developed to predict the effect of missense changes on protein structure and function (SIFT, PolyPhen-2, Align-GVGD) all suggest that this variant is likely to be tolerated. This variant has not been reported in the literature in individuals affected with ABAT-related conditions. This variant is not present in population databases (gnomAD no frequency). This sequence change replaces isoleucine, which is neutral and non-polar, with leucine, which is neutral and non-polar, at codon 398 of the ABAT protein (p.Ile398Leu).

NM_020686.6(ABAT):c.1192A>C (p.Ile398Leu)

Gene: ABAT (4-aminobutyrate aminotransferase; plus strand). Cytogenetic location: 16p13.2.
Variant type: single nucleotide variant.
Coding change: c.1192A>C on transcript NM_020686.6 (MANE Select); coding-DNA position 1192, A replaced by C.
Protein change: p.Ile398Leu; replaces isoleucine 398 with leucine.
Molecular consequence: missense variant.
Genome position (GRCh38, 1-based): chr16:8,776,413, A>C. VCF-style: chr16-8776413-A-C. GRCh37 (hg19) VCF-style: chr16-8870270-A-C.
Other names: c.1192A>C, p.Ile398Leu (NM_000663.5, NM_001127448.2, NM_001386600.1 and 6 more transcripts); c.1153A>C, p.Ile385Leu (NM_001386605.1); c.1129A>C, p.Ile377Leu (NM_001386606.1, NM_001386607.1); c.1099A>C, p.Ile367Leu (NM_001386608.1); c.1057A>C, p.Ile353Leu (NM_001386610.1, NM_001386611.1); c.994A>C, p.Ile332Leu (NM_001386612.1, NM_001386613.1); c.946A>C, p.Ile316Leu (NM_001386614.1); c.1288A>C, p.Ile430Leu (NM_001386615.1); short protein forms I332L, I430L, I353L, I377L, I398L, I316L, I385L, I367L.
Identifiers: ClinVar variation 1428903 (VCV001428903.6), dbSNP rs2060264213, ClinGen allele CA394690281.